The following is an entry in ClinVar:

NM_004004.6(GJB2):c.32G>A (p.Gly11Glu)

Gene: GJB2 (gap junction protein beta 2; minus strand). Cytogenetic location: 13q12.11.
Variant type: single nucleotide variant.
Coding change: c.32G>A on transcript NM_004004.6 (MANE Select); coding-DNA position 32, G replaced by A.
Protein change: p.Gly11Glu; replaces glycine 11 with glutamic acid.
Molecular consequence: missense variant.
Genome position (GRCh38, 1-based): chr13:20,189,550, C>T on the plus strand (G>A on the coding strand, the complement: GJB2 is on the minus strand). VCF-style: chr13-20189550-C-T. GRCh37 (hg19) VCF-style: chr13-20763689-C-T.
Other names: short protein forms G11E.
Identifiers: ClinVar variation 4815289 (VCV004815289.2).

ClinVar aggregate classification (germline): Likely pathogenic. Review status: criteria provided, multiple submitters, no conflicts (2 of 4 stars). 2 submissions from 2 submitters: Likely pathogenic (2). Last evaluated 2025-07-16.

Conditions:
GJB2-related disorder. Also called: GJB2-related condition; GJB2-related disorders. Identifiers: MedGen CN382183, MONDO:1060236.
Autosomal recessive nonsyndromic hearing loss 1A (DFNB1A). Also called: Connexin 26 deafness; Deafness nonsyndromic, Connexin 26 linked; GJB6-Related DFNB 1 Nonsyndromic Hearing Loss and Deafness; Deafness, autosomal recessive 1A; Nonsyndromic Hearing Loss and Deafness, DFNB1; GJB2-Related Autosomal Recessive Nonsyndromic Hearing Loss. Identifiers: Orphanet 90636, MedGen C2673759, MONDO:0009076, OMIM 220290.

Submissions (2):

Natera, Inc.
Classification: Likely pathogenic for Autosomal recessive deafness type 1A. Last evaluated: 2025-07-16. Review status: criteria provided, single submitter. Criteria: Natera Variant Classification Schema (03/2026). Collection method: clinical testing. Allele origin: germline.
Comment: The c.32G>A variant in GJB2 is a missense variant predicted to cause substitution of glycine to glutamic acid at amino acid 11. This variant is rare in the general population with a frequency below the threshold expected for the associated phenotype(s). This variant has been observed in one or more individuals affected with the associated recessive disease, as either homozygous or compound heterozygous with a second variant (PMID: 32733727). This variant has been observed in affected individual(s) with monoallelic occurrence (heterozygous/hemizygous) (PMID: 37555193, 27848944, 20307501). This variant has been confirmed as or assumed to be a de novo occurrence in one or more affected individuals (PMID: 27848944). Computational prediction algorithms indicate this variant is likely to affect gene or protein function. Given the available evidence, this variant is classified as Likely Pathogenic.

Blueprint Genetics
Classification: Likely pathogenic for GJB2-related disorders. Last evaluated: 2023-05-11. Review status: criteria provided, single submitter. Criteria: ACMG Guidelines, 2015. Collection method: clinical testing. Allele origin: germline. Affected: yes. Observed: 2 variant alleles.

Literature cited by the submitters: PubMed 32733727 (cited by Natera, Inc.); PubMed 37555193 (cited by Natera, Inc.); PubMed 27848944 (cited by Natera, Inc.); PubMed 20307501 (cited by Natera, Inc.).